The following is an entry in ClinVar:

NM_020911.2(PLXNA4):c.3579C>T (p.Thr1193=)

Gene: PLXNA4 (plexin A4; minus strand). Cytogenetic location: 7q32.3.
Variant type: single nucleotide variant.
Coding change: c.3579C>T on transcript NM_020911.2 (MANE Select); coding-DNA position 3579, C replaced by T.
Protein change: p.Thr1193=; no amino-acid change (threonine 1193 retained).
Molecular consequence: synonymous variant.
Genome position (GRCh38, 1-based): chr7:132,180,646, G>A on the plus strand (C>T on the coding strand, the complement: PLXNA4 is on the minus strand). VCF-style: chr7-132180646-G-A. GRCh37 (hg19) VCF-style: chr7-131865405-G-A.
Other names: c.3579C>T, p.Thr1193= (NM_001393897.1).
Identifiers: ClinVar variation 3051709 (VCV003051709.2), dbSNP rs199519035, ClinGen allele CA4489455.

ClinVar aggregate classification (germline): Likely benign (0 of 4 stars; one submission).

Conditions:
PLXNA4-related disorder. Also called: PLXNA4-related condition.

Allele frequency attached by ClinVar (database versions not stated): ESP Exome Variant Server 0.00016; gnomAD 0.00028; TOPMed 0.00029; ExAC 0.00052; 1000 Genomes Project 30x 0.00172; 1000 Genomes Project 0.00200.
gnomAD v4.1: 266 of 1,614,148 alleles (0.016%); highest among the groups gnomAD compares: East Asian, 0.24%; no homozygotes.

Submission:

PreventionGenetics, part of Exact Sciences
Classification: Likely benign for PLXNA4-related condition. Last evaluated: 2021-07-14. Review status: no assertion criteria provided. Collection method: clinical testing. Allele origin: germline.
Comment: This variant is classified as likely benign based on ACMG/AMP sequence variant interpretation guidelines (Richards et al. 2015 PMID: 25741868, with internal and published modifications).